The following is an entry in ClinVar:

NM_000484.4(APP):c.1030G>A (p.Ala344Thr)

Gene: APP (amyloid beta precursor protein; minus strand). Cytogenetic location: 21q21.3.
Variant type: single nucleotide variant.
Coding change: c.1030G>A on transcript NM_000484.4 (MANE Select); coding-DNA position 1030, G replaced by A.
Protein change: p.Ala344Thr; replaces alanine 344 with threonine.
Molecular consequence: missense variant. On other transcripts: intron variant (5).
Genome position (GRCh38, 1-based): chr21:26,000,018, C>T on the plus strand (G>A on the coding strand, the complement: APP is on the minus strand). VCF-style: chr21-26000018-C-T. GRCh37 (hg19) VCF-style: chr21-27372333-C-T.
Other names: c.1015G>A, p.Ala339Thr (NM_001136016.3); c.862G>A, p.Ala288Thr (NM_001136130.3); c.1030G>A, p.Ala344Thr (NM_001204301.2, NM_001204302.2, NM_201413.3); c.761-17541G>A (NM_001136131.3); c.698-17541G>A (NM_001136129.3); c.866-17541G>A (NM_001204303.2, NM_201414.3); c.866-2602G>A (NM_001385253.1); short protein forms A288T, A339T, A344T.
Identifiers: ClinVar variation 653874 (VCV000653874.7), dbSNP rs201045185, ClinGen allele CA9987469.

ClinVar aggregate classification (germline): Uncertain significance (1 of 4 stars; one submission).

Conditions:
Alzheimer disease. Also called: Alzheimer's disease; Presenile and senile dementia. Identifiers: Orphanet 1020, MedGen C0002395, MeSH D000544, MONDO:0004975, HP:0002511.

Allele frequency attached by ClinVar (database versions not stated): TOPMed 0.00002; gnomAD 0.00003 and 0.00001; gnomAD exomes 0.00004 and 0.00001; ESP Exome Variant Server 0.00008; 1000 Genomes Project 30x 0.00016; 1000 Genomes Project 0.00020; ExAC 0.00002.

Submission:

Labcorp Genetics (formerly Invitae), Labcorp
Classification: Uncertain significance for Alzheimer disease. Last evaluated: 2021-10-14. Review status: criteria provided, single submitter. Criteria: Invitae Variant Classification Sherloc (09022015). Collection method: clinical testing. Allele origin: germline.
Comment: In summary, the available evidence is currently insufficient to determine the role of this variant in disease. Therefore, it has been classified as a Variant of Uncertain Significance. Algorithms developed to predict the effect of missense changes on protein structure and function (SIFT, PolyPhen-2, Align-GVGD) all suggest that this variant is likely to be tolerated. ClinVar contains an entry for this variant (Variation ID: 653874). This variant has not been reported in the literature in individuals affected with APP-related conditions. This variant is present in population databases (rs201045185, ExAC 0.006%). This sequence change replaces alanine with threonine at codon 344 of the APP protein (p.Ala344Thr). The alanine residue is weakly conserved and there is a small physicochemical difference between alanine and threonine.